The following is an entry in ClinVar:

ClinVar aggregate classification (germline): Uncertain significance. Review status: criteria provided, multiple submitters, no conflicts (2 of 4 stars). 2 submissions from 2 submitters: Uncertain significance (2). Last evaluated 2024-04-29.

Conditions:
Familial focal epilepsy with variable foci (FPEVF). Identifiers: Orphanet 98820, MedGen C1858477, MONDO:0020310.
Inborn genetic diseases. Identifiers: MedGen C0950123, MeSH D030342.

Allele frequency attached by ClinVar (database versions not stated): gnomAD exomes below 0.00001; gnomAD 0.00001; TOPMed 0.00002.
gnomAD v4.1: 6 of 1,613,642 alleles (0.00037%); highest among the groups gnomAD compares: Middle Eastern, 0.016%; no homozygotes.

Submissions (2):

Labcorp Genetics (formerly Invitae), Labcorp
Classification: Uncertain significance for Familial focal epilepsy with variable foci. Last evaluated: 2024-04-29. Review status: criteria provided, single submitter. Criteria: Invitae Variant Classification Sherloc (09022015). Collection method: clinical testing. Allele origin: germline.
Comment: This sequence change replaces arginine, which is basic and polar, with tryptophan, which is neutral and slightly polar, at codon 1366 of the DEPDC5 protein (p.Arg1366Trp). This variant is not present in population databases (gnomAD no frequency). This variant has not been reported in the literature in individuals affected with DEPDC5-related conditions. ClinVar contains an entry for this variant (Variation ID: 936262). Experimental studies and prediction algorithms are not available or were not evaluated, and the functional significance of this variant is currently unknown. In summary, the available evidence is currently insufficient to determine the role of this variant in disease. Therefore, it has been classified as a Variant of Uncertain Significance.

Ambry Genetics
Classification: Uncertain significance for Inborn genetic diseases. Last evaluated: 2018-01-22. Review status: criteria provided, single submitter. Criteria: Ambry Variant Classification Scheme 2023. Collection method: clinical testing. Allele origin: germline.
Comment: The p.R1366W variant (also known as c.4096C>T), located in coding exon 38 of the DEPDC5 gene, results from a C to T substitution at nucleotide position 4096. The arginine at codon 1366 is replaced by tryptophan, an amino acid with dissimilar properties. This amino acid position is highly conserved in available vertebrate species. In addition, this alteration is predicted to be deleterious by in silico analysis. Since supporting evidence is limited at this time, the clinical significance of this alteration remains unclear.

NM_001242896.3(DEPDC5):c.4096C>T (p.Arg1366Trp)

Gene: DEPDC5 (DEP domain containing 5, GATOR1 subcomplex subunit; plus strand). Cytogenetic location: 22q12.3.
Variant type: single nucleotide variant.
Coding change: c.4096C>T on transcript NM_001242896.3 (MANE Select); coding-DNA position 4096, C replaced by T.
Protein change: p.Arg1366Trp; replaces arginine 1366 with tryptophan.
Molecular consequence: missense variant. On other transcripts: non-coding transcript variant (5).
Genome position (GRCh38, 1-based): chr22:31,893,644, C>T. VCF-style: chr22-31893644-C-T. GRCh37 (hg19) VCF-style: chr22-32289630-C-T.
Other names: c.4069C>T, p.Arg1357Trp (NM_001136029.4); c.3796C>T, p.Arg1266Trp (NM_001242897.2); c.4030C>T, p.Arg1344Trp (NM_001363852.2, NM_001364320.2); c.3862C>T, p.Arg1288Trp (NM_001363854.2, NM_001364319.2); c.4096C>T, p.Arg1366Trp (NM_001364318.2); c.4012C>T, p.Arg1338Trp (NM_001369901.1, NM_001369902.1); c.4003C>T, p.Arg1335Trp (NM_001369903.1, NM_014662.6); short protein forms R1266W, R1344W, R1357W, R1335W, R1288W, R1338W, R1366W.
Identifiers: ClinVar variation 936262 (VCV000936262.11), dbSNP rs1014849515, ClinGen allele CA323349520.
Genomic context (GRCh38, chr22:31,893,644, plus strand): 5'-GCCACTGTCCCAGAGCAGAGGACTGTGACCCTGGATGTTGACGTGAACAACCGCACAGAC[C>T]GGCTGGAGTGGTGCAGCTGTTATTACCATGGCAACTTTTCTCTGAATGCAGCCTTTGAGA-3'
Protein context (NP_001229825.1, residues 1356-1376): LDVDVNNRTD[Arg1366Trp]LEWCSCYYHG